The following is an entry in ClinVar:

NM_007294.4(BRCA1):c.3759_3760del (p.Lys1254fs)

Genes: BRCA1 (BRCA1 DNA repair associated; minus strand), LOC126862571 (BRD4-independent group 4 enhancer GRCh37_chr17:41243136-41244335; plus strand). Cytogenetic location: 17q21.31.
Variant type: Deletion.
Coding change: c.3759_3760del on transcript NM_007294.4 (MANE Select); coding-DNA positions 3759 to 3760, 2 bases deleted (TA; older notation c.3759_3760delTA).
Protein change: p.Lys1254fs; shifts the reading frame from lysine 1254.
Molecular consequence: frameshift variant. On other transcripts: intron variant (135).
Genome position (GRCh38, 1-based): chr17:43,091,771-43,091,772, TA deleted on the plus strand (TA on the coding strand, the reverse complement: BRCA1 is on the minus strand). VCF-style (leftmost placement, unchanged base first): chr17-43091770-TTA-T. GRCh37 (hg19) VCF-style: chr17-41243787-TTA-T.
Other names: 3878delTA; c.3546_3547del, p.Lys1183fs (NM_001407571.1, NM_001407853.1, NM_001407894.1 and 9 more transcripts); c.3759_3760del, p.Lys1254fs (NM_001407581.1, NM_001407582.1, NM_001407583.1 and 30 more transcripts); c.3756_3757del, p.Lys1253fs (NM_001407587.1, NM_001407590.1, NM_001407591.1 and 22 more transcripts); c.3750_3751del, p.Lys1251fs (NM_001407646.1, NM_001407647.1); c.3636_3637del, p.Lys1213fs (NM_001407648.1, NM_001407664.1, NM_001407665.1 and 19 more transcripts); c.3633_3634del, p.Lys1212fs (NM_001407649.1, NM_001407670.1, NM_001407671.1 and 11 more transcripts); c.3681_3682del, p.Lys1228fs (NM_001407653.1, NM_001407654.1, NM_001407655.1 and 4 more transcripts); and 43 more; short protein forms K1207fs, K1254fs, K1126fs, K1127fs, K1166fs, K1184fs, K1206fs, K1227fs.
Identifiers: ClinVar variation 37544 (VCV000037544.33), dbSNP rs80357520, ClinGen allele CA002410.

ClinVar aggregate classification (germline): Pathogenic. Review status: reviewed by expert panel (3 of 4 stars). 14 submissions from 13 submitters: Pathogenic (1). 13 of the submissions do not count toward it. Last evaluated 2016-09-08.

Conditions:
Hereditary cancer-predisposing syndrome. Also called: Tumor predisposition; Neoplastic Syndromes, Hereditary; Hereditary Cancer Syndrome; Hereditary neoplastic syndrome. Identifiers: Orphanet 140162, MedGen C0027672, MeSH D009386, MONDO:0015356.
Breast-ovarian cancer, familial, susceptibility to, 1 (BROVCA1). Also called: OVARIAN CANCER, SUSCEPTIBILITY TO; BRCA1 Hereditary Breast and Ovarian Cancer. Identifiers: Orphanet 145, MedGen C2676676, MONDO:0011450, OMIM 604370. Disease mechanism: loss of function.
Pancreatic cancer, susceptibility to, 4. Identifiers: Orphanet 1333, MedGen C3280442, MONDO:0013685, OMIM 614320.
Fanconi anemia, complementation group S (FANCS). Identifiers: MedGen C4554406, MONDO:0054748, OMIM 617883.
Familial cancer of breast. Also called: Hereditary breast cancer; hereditary breast carcinoma; BREAST CANCER, FAMILIAL. Identifiers: Orphanet 227535, MedGen C0346153, MONDO:0016419, OMIM 114480. Disease mechanism: loss of function.
Hereditary breast ovarian cancer syndrome. Also called: Hereditary breast and ovarian cancer syndrome (HBOC); Hereditary breast and ovarian cancer syndrome; Hereditary breast and ovarian cancer; Hereditary breast and/or ovarian cancer syndrome; Breast and ovarian cancer; BRCA1- and BRCA2-Associated Hereditary Breast and Ovarian Cancer. Identifiers: Orphanet 145, MedGen C0677776, MeSH D061325, MONDO:0003582. Disease mechanism: loss of function.

Submissions (14):

Evidence-based Network for the Interpretation of Germline Mutant Alleles (ENIGMA)
Classification: Pathogenic for Breast-ovarian cancer, familial, susceptibility to, 1. Last evaluated: 2016-09-08. Review status: reviewed by expert panel. Criteria: ENIGMA BRCA1/2 Classification Criteria (2015). Collection method: curation. Allele origin: germline.
Comment: Variant allele predicted to encode a truncated non-functional protein.

Labcorp Genetics (formerly Invitae), Labcorp
Classification: Pathogenic for Hereditary breast ovarian cancer syndrome. Last evaluated: 2025-12-01. Review status: criteria provided, single submitter. Criteria: Invitae Variant Classification Sherloc (09022015). Collection method: clinical testing. Allele origin: germline. Not counted in ClinVar's aggregate classification.
Comment: This sequence change creates a premature translational stop signal (p.Lys1254Glufs*12) in the BRCA1 gene. It is expected to result in an absent or disrupted protein product. Loss-of-function variants in BRCA1 are known to be pathogenic (PMID: 20104584). This variant is not present in population databases (gnomAD no frequency). This premature translational stop signal has been observed in individual(s) with breast and ovarian cancer (PMID: 18159056, 25236687, 25256238, 25628955, 27836010). This variant is also known as 3878delTA. ClinVar contains an entry for this variant (Variation ID: 37544). For these reasons, this variant has been classified as Pathogenic.

Color Diagnostics, LLC DBA Color Health
Classification: Pathogenic for Hereditary cancer-predisposing syndrome. Last evaluated: 2025-07-14. Review status: criteria provided, single submitter. Criteria: ACMG Guidelines, 2015. Collection method: clinical testing. Allele origin: germline. Not counted in ClinVar's aggregate classification.
Comment: This variant deletes 2 nucleotides in exon 10 of the BRCA1 gene, creating a frameshift and premature translation stop signal. This variant is expected to result in an absent or non-functional protein product. This variant has been observed in at least 8 individuals affected with breast and ovarian cancer (PMID: 18159056, 25256238, 25716084, 30630528, 31753525Color internal data). This variant has not been identified in the general population by the Genome Aggregation Database (gnomAD). Loss of BRCA1 function is a known mechanism of disease. Based on the available evidence, this variant is classified as Pathogenic.

Ambry Genetics
Classification: Pathogenic for Hereditary cancer-predisposing syndrome. Last evaluated: 2025-04-01. Review status: criteria provided, single submitter. Criteria: Ambry Variant Classification Scheme 2023. Collection method: clinical testing. Allele origin: germline. Not counted in ClinVar's aggregate classification.
Comment: The c.3759_3760delTA pathogenic mutation, located in coding exon 9 of the BRCA1 gene, results from a deletion of two nucleotides at positions 3759 and 3760, causing a translational frameshift with a predicted alternate stop codon (p.K1254Efs*12). This variant has been previously identified in multiple individuals diagnosed with breast cancer (John EM et al. JAMA. 2007 Dec;298:2869-76; Abugattas J et al. Clin. Genet. 2015 Oct;88:371-5; Villarreal-Garza C et al. Breast Cancer Res. Treat. 2015 Apr;150:389-94; Nahleh Z et al. Am J Cancer Res, 2015 Dec;5:466-71; Rebbeck TR et al. Breast Cancer Res. 2016 Nov;18(1):112). Of note, this alteration is also designated as 3878delTA in some published literature. This variant is considered to be rare based on population cohorts in the Genome Aggregation Database (gnomAD). In addition to the clinical data presented in the literature, this alteration is expected to result in loss of function by premature protein truncation or nonsense-mediated mRNA decay. As such, this alteration is interpreted as a disease-causing mutation.

Fulgent Genetics
Classification: Pathogenic for Breast-ovarian cancer, familial, susceptibility to, 1; Pancreatic cancer, susceptibility to, 4; Fanconi anemia, complementation group S. Last evaluated: 2024-05-09. Review status: criteria provided, single submitter. Criteria: ACMG Guidelines, 2015. Collection method: clinical testing. Allele origin: germline. Not counted in ClinVar's aggregate classification.

GeneDx
Classification: Pathogenic. Last evaluated: 2024-04-17. Review status: criteria provided, single submitter. Criteria: GeneDx Variant Classification Process June 2021. Collection method: clinical testing. Allele origin: germline. Affected: yes. Not counted in ClinVar's aggregate classification.
Comment: Frameshift variant predicted to result in protein truncation or nonsense mediated decay in a gene for which loss of function is a known mechanism of disease; Not observed at significant frequency in large population cohorts (gnomAD); Truncating variants in this gene are considered pathogenic by a well-established clinical consortium and/or database; Also known as 3878_3879delTA and 3878delTA; This variant is associated with the following publications: (PMID: 18159056, 34413315, 25256238, 26564481, 25628955, 25716084, 25236687, 27836010, 30630528, 31454914, 31753525, 35734436, 31853058, 33010199, 23961350, 22430266, 37310942, 37182128, 35875314)

Quest Diagnostics Nichols Institute San Juan Capistrano
Classification: Pathogenic. Last evaluated: 2024-03-13. Review status: criteria provided, single submitter. Criteria: Quest Diagnostics criteria. Collection method: clinical testing. Allele origin: unknown. Not counted in ClinVar's aggregate classification.
Comment: The BRCA1 c.3759_3760del (p.Lys1254Glufs*12) variant alters the translational reading frame of the BRCA1 mRNA and causes the premature termination of BRCA1 protein synthesis. This variant has been reported in the published literature in individuals affected with breast and/or ovarian cancer (PMIDs: 37182128 (2023), 35734436 (2022), 30630528 (2019), 27836010 (2016), 25716084 (2015)). This variant has not been reported in large, multi-ethnic general populations (Genome Aggregation Database). Based on the available information, this variant is classified as pathogenic.

Mayo Clinic Laboratories, Mayo Clinic
Classification: Pathogenic. Last evaluated: 2023-11-24. Review status: criteria provided, single submitter. Criteria: ACMG Guidelines, 2015. Collection method: clinical testing. Allele origin: germline. Observed: 1 variant allele. Not counted in ClinVar's aggregate classification.
Comment: PM2, PM5_strong, PVS1

Baylor Genetics
Classification: Pathogenic for Breast-ovarian cancer, familial, susceptibility to, 1. Last evaluated: 2023-11-19. Review status: criteria provided, single submitter. Criteria: ACMG Guidelines, 2015. Collection method: clinical testing. Allele origin: unknown. Not counted in ClinVar's aggregate classification.

Women's Health and Genetics/Laboratory Corporation of America, LabCorp
Classification: Pathogenic for Hereditary breast ovarian cancer syndrome. Last evaluated: 2022-12-12. Review status: criteria provided, single submitter. Criteria: LabCorp Variant Classification Summary - May 2015. Collection method: clinical testing. Allele origin: germline. Not counted in ClinVar's aggregate classification.
Comment: Variant summary: BRCA1 c.3759_3760delTA (p.Lys1254GlufsX12) results in a premature termination codon, predicted to cause a truncation of the encoded protein or absence of the protein due to nonsense mediated decay, which are commonly known mechanisms for disease. Truncations downstream of this position have been classified as pathogenic by our laboratory. The variant was absent in 251272 control chromosomes. c.3759_3760delTA has been reported in the literature in multiple individuals affected with Hereditary Breast And Ovarian Cancer Syndrome (Finkelman_2012, John_2007, Judkins_2005, Llacuachaqui_2014, Millan_2019, Solano_2013, Villareal-Garza_2015 & 2021 etc.). These data indicate that the variant is very likely to be associated with disease. Seven ClinVar submitters including an expert panel (ENIGMA) (evaluation after 2014) cite the variant as pathogenic. Based on the evidence outlined above, the variant was classified as pathogenic.

Fulgent Genetics
Classification: Pathogenic for Familial cancer of breast; Breast-ovarian cancer, familial, susceptibility to, 1; Pancreatic cancer, susceptibility to, 4; Fanconi anemia, complementation group S. Last evaluated: 2021-12-17. Review status: criteria provided, single submitter. Criteria: ACMG Guidelines, 2015. Collection method: clinical testing. Allele origin: unknown. Not counted in ClinVar's aggregate classification.

Consortium of Investigators of Modifiers of BRCA1/2 (CIMBA), c/o University of Cambridge
Classification: Pathogenic for Breast-ovarian cancer, familial, susceptibility to, 1. Last evaluated: 2015-10-02. Review status: criteria provided, single submitter. Criteria: CIMBA Mutation Classification guidelines May 2016. Collection method: clinical testing. Allele origin: germline. Not counted in ClinVar's aggregate classification.

Sharing Clinical Reports Project (SCRP)
Classification: Pathogenic for Breast-ovarian cancer, familial 1. Last evaluated: 2012-03-26. Review status: no assertion criteria provided. Collection method: clinical testing. Allele origin: germline. Not counted in ClinVar's aggregate classification.

Breast Cancer Information Core (BIC) (BRCA1)
Classification: Pathogenic for Breast-ovarian cancer, familial 1. Last evaluated: 2004-02-20. Review status: no assertion criteria provided. Collection method: clinical testing. Allele origin: germline. Affected: yes. Observed: 2 variant alleles. Not counted in ClinVar's aggregate classification.

Literature cited by the submitters: PubMed 20104584 (cited by Labcorp Genetics (formerly Invitae), Labcorp); PubMed 18159056 (cited by 6 submitters); PubMed 25236687 (cited by 3 submitters); PubMed 25256238 (cited by 4 submitters); PubMed 25628955 (cited by 4 submitters); PubMed 27836010 (cited by 4 submitters); PubMed 25716084 (cited by 4 submitters); PubMed 30630528 (cited by 3 submitters); PubMed 31753525 (cited by Color Diagnostics, LLC DBA Color Health); PubMed 35734436 (cited by Quest Diagnostics Nichols Institute San Juan Capistrano); PubMed 37182128 (cited by Quest Diagnostics Nichols Institute San Juan Capistrano); PubMed 16267036 (cited by Quest Diagnostics Nichols Institute San Juan Capistrano and Women's Health and Genetics/Laboratory Corporation of America, LabCorp); PubMed 26295337 (cited by Quest Diagnostics Nichols Institute San Juan Capistrano); PubMed 31454914 (cited by Mayo Clinic Laboratories, Mayo Clinic and Women's Health and Genetics/Laboratory Corporation of America, LabCorp); PubMed 34413315 (cited by Mayo Clinic Laboratories, Mayo Clinic); PubMed 37310942 (cited by Mayo Clinic Laboratories, Mayo Clinic); PubMed 22430266 (cited by Women's Health and Genetics/Laboratory Corporation of America, LabCorp); PubMed 23961350 (cited by Women's Health and Genetics/Laboratory Corporation of America, LabCorp).